The following is an entry in ClinVar:

NC_000002.11:g.(?_179511192)_(179518254_?)del

Gene: TTN (titin; minus strand). Cytogenetic location: 2q31.2.
Variant type: Deletion.
Identifiers: ClinVar variation 1373813 (VCV001373813.7).

ClinVar aggregate classification (germline): Uncertain significance (1 of 4 stars; one submission).

Conditions:
Dilated cardiomyopathy 1G (CMD1G). Identifiers: Orphanet 154, MedGen C1858763, MONDO:0011400, OMIM 604145.
Autosomal recessive limb-girdle muscular dystrophy type 2J (LGMDR10). Also called: Limb-girdle muscular dystrophy, type 2J; MUSCULAR DYSTROPHY, LIMB-GIRDLE, AUTOSOMAL RECESSIVE 10. Identifiers: Orphanet 140922, MedGen C1837342, MONDO:0012127, OMIM 608807.

Submission:

Labcorp Genetics (formerly Invitae), Labcorp
Classification: Uncertain significance for Dilated cardiomyopathy 1G; Autosomal recessive limb-girdle muscular dystrophy type 2J. Last evaluated: 2022-11-17. Review status: criteria provided, single submitter. Criteria: Invitae Variant Classification Sherloc (09022015). Collection method: clinical testing. Allele origin: germline.
Comment: In summary, the available evidence is currently insufficient to determine the role of this variant in disease. Therefore, it has been classified as a Variant of Uncertain Significance. This variant disrupts the I band(s) of TTN (PMID: 25589632). Copy number variants in TTN have been previously reported in individuals affected with neuromuscular disorders (PMID: 29792937, 30238059), but the functional significance of this variant is currently unknown. This variant has not been reported in the literature in individuals affected with TTN-related conditions. This variant is a gross deletion of the genomic region encompassing exon(s) 202-216 of the TTN gene. This deletion extends beyond the assayed region for this gene. This variant is predicted to be in-frame, and likely preserves the integrity of the reading frame.

Literature cited by the submitters: PubMed 25589632; PubMed 29792937; PubMed 30238059.